The following is an entry in ClinVar:

ClinVar aggregate classification (germline): Uncertain significance (1 of 4 stars; one submission).

Conditions:
Hereditary cancer-predisposing syndrome. Also called: Tumor predisposition; Hereditary Cancer Syndrome; Hereditary neoplastic syndrome; Neoplastic Syndromes, Hereditary. Identifiers: Orphanet 140162, MedGen C0027672, MeSH D009386, MONDO:0015356.

Submission:

Ambry Genetics
Classification: Uncertain significance for Hereditary cancer-predisposing syndrome. Last evaluated: 2026-02-11. Review status: criteria provided, single submitter. Criteria: Ambry Variant Classification Scheme 2023. Collection method: clinical testing. Allele origin: germline.
Comment: The c.632-4dupA intronic variant, results from a duplication of two nucleotides at nucleotide position 632 before intron 6 of the BRCA2 gene. This nucleotide position is not well conserved in available vertebrate species. In silico splice site analysis predicts that this alteration will not have any significant effect on splicing. Based on the available evidence, the clinical significance of this variant remains unclear.

NM_000059.4(BRCA2):c.632-4dup

Gene: BRCA2 (BRCA2 DNA repair associated; plus strand). Cytogenetic location: 13q13.1.
Variant type: Duplication.
Coding change: c.632-4dup on transcript NM_000059.4 (MANE Select); 4 bases into the intron before coding-DNA position 632, one base duplicated (A; older notation c.632-4dupA).
Molecular consequence: intron variant.
Genome position (GRCh38, 1-based): chr13:32,329,439, A duplicated. VCF-style (leftmost placement, unchanged base first): chr13-32329438-T-TA. GRCh37 (hg19) VCF-style: chr13-32903575-T-TA.
Identifiers: ClinVar variation 1752864 (VCV001752864.3), dbSNP rs2548516951, ClinGen allele CA2580087049.